The following is an entry in ClinVar:

NM_032383.5(HPS3):c.392C>T (p.Pro131Leu)

Gene: HPS3 (HPS3 biogenesis of lysosomal organelles complex 2 subunit 1; plus strand). Cytogenetic location: 3q24.
Variant type: single nucleotide variant.
Coding change: c.392C>T on transcript NM_032383.5 (MANE Select); coding-DNA position 392, C replaced by T.
Protein change: p.Pro131Leu; replaces proline 131 with leucine.
Molecular consequence: missense variant. On other transcripts: intron variant (1).
Genome position (GRCh38, 1-based): chr3:149,140,178, C>T. VCF-style: chr3-149140178-C-T. GRCh37 (hg19) VCF-style: chr3-148857965-C-T.
Other names: c.218-839C>T (NM_001308258.2); short protein forms P131L.
Identifiers: ClinVar variation 902241 (VCV000902241.14), dbSNP rs577273287, ClinGen allele CA2659787.

ClinVar aggregate classification (germline): Uncertain significance. Review status: criteria provided, multiple submitters, no conflicts (2 of 4 stars). 5 submissions from 5 submitters: Uncertain significance (5). Last evaluated 2025-12-08.

Conditions:
Hermansky-Pudlak syndrome 3 (HPS3). Identifiers: Orphanet 231512, Orphanet 79430, MedGen C3888001, MONDO:0013555, OMIM 614072.

Allele frequency attached by ClinVar (database versions not stated): ExAC 0.00017; gnomAD exomes 0.00020 and 0.00010; 1000 Genomes Project 0.00120; 1000 Genomes Project 30x 0.00125; TOPMed 0.00008; gnomAD 0.00010 and 0.00015.
gnomAD v4.1: 173 of 1,614,112 alleles (0.011%); highest among the groups gnomAD compares: South Asian, 0.1%; 1 homozygote.

Submissions (5):

Women's Health and Genetics/Laboratory Corporation of America, LabCorp
Classification: Uncertain significance. Last evaluated: 2025-12-08. Review status: criteria provided, single submitter. Criteria: LabCorp Variant Classification Summary - May 2015. Collection method: clinical testing. Allele origin: germline.
Comment: Variant summary: HPS3 c.392C>T (p.Pro131Leu) results in a non-conservative amino acid change located in the BLOC-2 complex member HPS3, N-terminal domain (IPR029437) of the encoded protein sequence. Algorithms developed to predict the effect of missense changes on protein structure and function all suggest that this variant is likely to be disruptive. The variant allele was found at a frequency of 0.0002 in 251366 control chromosomes (gnomAD). This frequency is not significantly higher than estimated for disease-causing variants in HPS3, allowing no conclusion about variant significance. c.392C>T has been reported in the literature in one individual affected with rare inherited bleeding disorders (Leine_2017). The report does not provide unequivocal conclusions about association of the variant with Hermansky-Pudlak Syndrome. To our knowledge, no experimental evidence demonstrating an impact on protein function has been reported. The following publication have been ascertained in the context of this evaluation (PMID: 28748566). ClinVar contains an entry for this variant (Variation ID: 902241). Based on the evidence outlined above, the variant was classified as uncertain significance.

Labcorp Genetics (formerly Invitae), Labcorp
Classification: Uncertain significance. Last evaluated: 2022-10-28. Review status: criteria provided, single submitter. Criteria: Invitae Variant Classification Sherloc (09022015). Collection method: clinical testing. Allele origin: germline.
Comment: This sequence change replaces proline, which is neutral and non-polar, with leucine, which is neutral and non-polar, at codon 131 of the HPS3 protein (p.Pro131Leu). This variant is present in population databases (rs577273287, gnomAD 0.1%). This variant has not been reported in the literature in individuals affected with HPS3-related conditions. ClinVar contains an entry for this variant (Variation ID: 902241). Advanced modeling of protein sequence and biophysical properties (such as structural, functional, and spatial information, amino acid conservation, physicochemical variation, residue mobility, and thermodynamic stability) performed at Invitae indicates that this missense variant is expected to disrupt HPS3 protein function. In summary, the available evidence is currently insufficient to determine the role of this variant in disease. Therefore, it has been classified as a Variant of Uncertain Significance.

Genome-Nilou Lab
Classification: Uncertain significance for Hermansky-Pudlak syndrome 3. Last evaluated: 2021-07-14. Review status: criteria provided, single submitter. Criteria: ACMG Guidelines, 2015. Collection method: clinical testing. Allele origin: germline. Affected: no.

Illumina Laboratory Services, Illumina
Classification: Uncertain significance for Hermansky-Pudlak syndrome 3. Last evaluated: 2018-01-12. Review status: criteria provided, single submitter. Criteria: ICSL Variant Classification Criteria 13 December 2019. Collection method: clinical testing. Allele origin: germline.

Suma Genomics
Classification: Uncertain significance for Hermansky-Pudlak syndrome 3. Review status: criteria provided, single submitter. Criteria: ACMG Guidelines, 2015. Collection method: clinical testing. Allele origin: inherited. Inheritance: Autosomal recessive inheritance. Affected: yes.

Literature cited by the submitters: PubMed 28748566 (cited by Women's Health and Genetics/Laboratory Corporation of America, LabCorp).